The following is an entry in ClinVar:

NM_001366102.1(TDRD12):c.1896C>T (p.Pro632=)

Gene: TDRD12 (tudor domain containing 12; plus strand). Cytogenetic location: 19q13.11.
Variant type: single nucleotide variant.
Coding change: c.1896C>T on transcript NM_001366102.1 (MANE Select); coding-DNA position 1896, C replaced by T.
Protein change: p.Pro632=; no amino-acid change (proline 632 retained).
Molecular consequence: synonymous variant.
Genome position (GRCh38, 1-based): chr19:32,800,304, C>T. VCF-style: chr19-32800304-C-T. GRCh37 (hg19) VCF-style: chr19-33291210-C-T.
Identifiers: ClinVar variation 2649688 (VCV002649688.24), dbSNP rs140337503, ClinGen allele CA9358206.

ClinVar aggregate classification (germline): Likely benign (1 of 4 stars; one submission).

Allele frequency attached by ClinVar (database versions not stated): gnomAD exomes 0.00073; ExAC 0.00095; 1000 Genomes Project 0.00280; 1000 Genomes Project 30x 0.00281; gnomAD 0.00324; TOPMed 0.00348.
gnomAD v4.1: 1,504 of 1,528,784 alleles (0.098%); highest among the groups gnomAD compares: African/African-American, 1%; 7 homozygotes.

Submission:

CeGaT Center for Human Genetics Tuebingen
Classification: Likely benign. Last evaluated: 2022-03-01. Review status: criteria provided, single submitter. Criteria: CeGaT Center For Human Genetics Tuebingen Variant Classification Criteria Version 2. Collection method: clinical testing. Allele origin: germline. Affected: yes. Observed: 1 variant allele.
Comment: TDRD12: BP4, BP7